The following is an entry in ClinVar:

NM_194318.4(B3GLCT):c.1185-6C>G

Gene: B3GLCT (beta 3-glucosyltransferase; plus strand). Cytogenetic location: 13q12.3.
Variant type: single nucleotide variant.
Coding change: c.1185-6C>G on transcript NM_194318.4 (MANE Select); 6 bases into the intron before coding-DNA position 1185, C replaced by G.
Molecular consequence: intron variant.
Genome position (GRCh38, 1-based): chr13:31,323,745, C>G. VCF-style: chr13-31323745-C-G. GRCh37 (hg19) VCF-style: chr13-31897882-C-G.
Identifiers: ClinVar variation 706018 (VCV000706018.50), dbSNP rs202096313, ClinGen allele CA6936857.

ClinVar aggregate classification (germline): Benign/Likely benign. Review status: criteria provided, multiple submitters, no conflicts (2 of 4 stars). 6 submissions from 6 submitters: Benign (1); Likely benign (4). 1 of the submissions does not count toward it. Last evaluated 2026-02-02.

Conditions:
B3GLCT-related disorder. Also called: B3GLCT-related condition.
Peters plus syndrome. Also called: KRAUSE-KIVLIN SYNDROME. Identifiers: Orphanet 709, MedGen C0796012, MONDO:0009856, OMIM 261540.

Allele frequency attached by ClinVar (database versions not stated): gnomAD 0.00055 and 0.00086; ESP Exome Variant Server 0.00077; TOPMed 0.00079; 1000 Genomes Project 0.00180; 1000 Genomes Project 30x 0.00187.
gnomAD v4.1: 1,821 of 1,614,074 alleles (0.11%); highest among the groups gnomAD compares: Middle Eastern, 1.4%; 19 homozygotes.

Submissions (7):

Labcorp Genetics (formerly Invitae), Labcorp
Classification: Benign for Peters plus syndrome. Last evaluated: 2026-02-02. Review status: criteria provided, single submitter. Criteria: Invitae Variant Classification Sherloc (09022015). Collection method: clinical testing. Allele origin: germline.

CeGaT Center for Human Genetics Tuebingen
Classification: Likely benign. Last evaluated: 2024-07-01. Review status: criteria provided, single submitter. Criteria: CeGaT Center For Human Genetics Tuebingen Variant Classification Criteria Version 2. Collection method: clinical testing. Allele origin: germline. Affected: yes. Observed: 3 variant alleles.
Comment: B3GLCT: BP4, BS2

Fulgent Genetics
Classification: Likely benign for Peters plus syndrome. Last evaluated: 2021-08-05. Review status: criteria provided, single submitter. Criteria: ACMG Guidelines, 2015. Collection method: clinical testing. Allele origin: unknown.

Illumina Laboratory Services, Illumina
Classification: Likely benign for Peters plus syndrome. Last evaluated: 2018-01-13. Review status: criteria provided, single submitter. Criteria: ICSL Variant Classification Criteria 13 December 2019. Collection method: clinical testing. Allele origin: germline.
Comment: This variant was observed in the ICSL laboratory as part of a predisposition screen in an ostensibly healthy population. It had not been previously curated by ICSL or reported in the Human Gene Mutation Database (HGMD: prior to June 1st, 2018), and was therefore a candidate for classification through an automated scoring system. Utilizing variant allele frequency, disease prevalence and penetrance estimates, and inheritance mode, an automated score was calculated to assess if this variant is too frequent to cause the disease. Based on the score and internal cut-off values, a variant classified as likely benign is not then subjected to further curation. The score for this variant resulted in a classification of likely benign for this disease.

Breakthrough Genomics
Classification: Likely benign. Review status: criteria provided, single submitter. Criteria: ACMG Guidelines, 2015. Collection method: not provided. Allele origin: germline. Inheritance: Autosomal recessive inheritance. Affected: yes.

PreventionGenetics, part of Exact Sciences
Classification: Benign for B3GLCT-related condition. Last evaluated: 2019-05-08. Review status: no assertion criteria provided. Collection method: clinical testing. Allele origin: germline. Not counted in ClinVar's aggregate classification.
Comment: This variant is classified as benign based on ACMG/AMP sequence variant interpretation guidelines (Richards et al. 2015 PMID: 25741868, with internal and published modifications).

Dr. Peter K. Rogan Lab, Western University
No classification provided (evidence only). Condition: Sarcoma. Review status: no classification provided. Collection method: in vitro. Allele origin: not applicable. Functional consequence: skipped exon, retained intron. Not counted in ClinVar's aggregate classification.